The following is an entry in ClinVar:

ClinVar aggregate classification (germline): Pathogenic/Likely pathogenic. Review status: criteria provided, multiple submitters, no conflicts (2 of 4 stars). 3 submissions from 3 submitters: Pathogenic (1); Likely pathogenic (2). Last evaluated 2024-03-01.

Conditions:
Abnormality of the musculature. Identifiers: MedGen C4021745, HP:0003011.
RYR1-related myopathy. Identifiers: Orphanet 98742, MedGen CN305348, MONDO:0100150.
RYR1-related disorder. Also called: RYR1-related disorders; RYR1-related condition. Identifiers: MedGen CN239331.

Submissions (3):

Muscle and Diseases Team, Institut de Génétique et Biologie Moléculaire et Cellulaire
Classification: Likely pathogenic for RYR1-related myopathy. Last evaluated: 2024-03-01. Review status: criteria provided, single submitter. Criteria: ACMG Guidelines, 2015. Collection method: research. Allele origin: unknown. Affected: yes. Observed: 1 variant allele.
Comment: PM1+PM2+PP2+PP3

Labcorp Genetics (formerly Invitae), Labcorp
Classification: Pathogenic for RYR1-related disorder. Last evaluated: 2022-11-02. Review status: criteria provided, single submitter. Criteria: Invitae Variant Classification Sherloc (09022015). Collection method: clinical testing. Allele origin: germline.
Comment: For these reasons, this variant has been classified as Pathogenic. Advanced modeling of protein sequence and biophysical properties (such as structural, functional, and spatial information, amino acid conservation, physicochemical variation, residue mobility, and thermodynamic stability) performed at Invitae indicates that this missense variant is expected to disrupt RYR1 protein function. ClinVar contains an entry for this variant (Variation ID: 1180698). This missense change has been observed in individual(s) with autosomal dominant RYR1-related myopathy (PMID: 22473935). In at least one individual the variant was observed to be de novo. This variant is not present in population databases (gnomAD no frequency). This sequence change replaces histidine, which is basic and polar, with tyrosine, which is neutral and polar, at codon 4813 of the RYR1 protein (p.His4813Tyr).

Kariminejad - Najmabadi Pathology & Genetics Center
Classification: Likely pathogenic for Abnormality of the musculature. Last evaluated: 2021-07-10. Review status: criteria provided, single submitter. Criteria: ACMG Guidelines, 2015. Collection method: clinical testing. Allele origin: de novo. Affected: yes.

Literature cited by the submitters: DOI 10.1186/s13073-024-01353-0 (cited by Muscle and Diseases Team, Institut de Génétique et Biologie Moléculaire et Cellulaire); PubMed 22473935 (cited by Labcorp Genetics (formerly Invitae), Labcorp).

NM_000540.3(RYR1):c.14437C>T (p.His4813Tyr)

Gene: RYR1 (ryanodine receptor 1; plus strand). Cytogenetic location: 19q13.2.
Variant type: single nucleotide variant.
Coding change: c.14437C>T on transcript NM_000540.3 (MANE Select); coding-DNA position 14437, C replaced by T.
Protein change: p.His4813Tyr; replaces histidine 4813 with tyrosine.
Molecular consequence: missense variant.
Genome position (GRCh38, 1-based): chr19:38,580,054, C>T. VCF-style: chr19-38580054-C-T. GRCh37 (hg19) VCF-style: chr19-39070694-C-T.
Other names: c.14422C>T, p.His4808Tyr (NM_001042723.2); short protein forms H4808Y, H4813Y.
Identifiers: ClinVar variation 1180698 (VCV001180698.8), dbSNP rs2145895177, ClinGen allele CA405687134.
Genomic context (GRCh38, chr19:38,580,054, plus strand): 5'-CTGGGCTGGTATATGGTGATGTCCCTCTTGGGACACTACAACAACTTCTTCTTTGCTGCC[C>T]ATCTCCTGGACATCGCCATGGGGGTCAAGACGCTGCGCACCATCCTGTCCTCTGTCACCC-3'
Protein context (NP_000531.2, residues 4803-4823): GHYNNFFFAA[His4813Tyr]LLDIAMGVKT